The following is an entry in ClinVar:

ClinVar aggregate classification (germline): Likely benign (0 of 4 stars; one submission).

Conditions:
FILIP1L-related disorder. Also called: FILIP1L-related condition.

Allele frequency attached by ClinVar (database versions not stated): ExAC 0.00002; TOPMed 0.00002; gnomAD exomes 0.00003; gnomAD 0.00007.
gnomAD v4.1: 56 of 1,613,636 alleles (0.0035%); highest among the groups gnomAD compares: Admixed American, 0.0017%; no homozygotes.

Submission:

PreventionGenetics, part of Exact Sciences
Classification: Likely benign for FILIP1L-related condition. Last evaluated: 2019-08-27. Review status: no assertion criteria provided. Collection method: clinical testing. Allele origin: germline.
Comment: This variant is classified as likely benign based on ACMG/AMP sequence variant interpretation guidelines (Richards et al. 2015 PMID: 25741868, with internal and published modifications).

NM_001387850.1(FILIP1L):c.2796T>C (p.Ser932=)

Genes: CMSS1 (cms1 ribosomal small subunit homolog; plus strand), FILIP1L (filamin A interacting protein 1 like; minus strand), LOC105374010 (uncharacterized LOC105374010; plus strand). Cytogenetic location: 3q12.1.
Variant type: single nucleotide variant.
Coding change: c.2796T>C on transcript NM_001387850.1 (MANE Select); coding-DNA position 2796, T replaced by C.
Protein change: p.Ser932=; no amino-acid change (serine 932 retained).
Molecular consequence: synonymous variant. On other transcripts: intron variant (2).
Genome position (GRCh38, 1-based): chr3:99,848,880, A>G on the plus strand (T>C on the coding strand, the complement: FILIP1L is on the minus strand). VCF-style: chr3-99848880-A-G. GRCh37 (hg19) VCF-style: chr3-99567724-A-G.
Other names: c.2796T>C, p.Ser932= (NM_001042459.3, NM_182909.4); c.1524T>C, p.Ser508= (NM_001282793.2); c.2076T>C, p.Ser692= (NM_001282794.2, NM_001370247.1, NM_001387851.1 and 1 more transcripts); c.64+30837A>G (NM_032359.4); c.606-18275T>C (NM_001387852.1).
Identifiers: ClinVar variation 3053214 (VCV003053214.2), dbSNP rs745635964, ClinGen allele CA2513381.